The following is an entry in ClinVar:

ClinVar aggregate classification (germline): Uncertain significance (1 of 4 stars; one submission).

Conditions:
Immunodeficiency. Identifiers: MedGen C0021051, MONDO:0021094, HP:0002721.

Allele frequency attached by ClinVar (database versions not stated): gnomAD exomes below 0.00001.
gnomAD v4.1: 1 of 1,614,134 alleles (0.000062%); highest among the groups gnomAD compares: Admixed American, 0.0017%; no homozygotes.

Submission:

Labcorp Genetics (formerly Invitae), Labcorp
Classification: Uncertain significance for Immunodeficiency. Last evaluated: 2024-10-21. Review status: criteria provided, single submitter. Criteria: Invitae Variant Classification Sherloc (09022015). Collection method: clinical testing. Allele origin: germline.
Comment: This sequence change replaces alanine, which is neutral and non-polar, with valine, which is neutral and non-polar, at codon 1164 of the NFAT5 protein (p.Ala1164Val). This variant is present in population databases (no rsID available, gnomAD 0.003%). This variant has not been reported in the literature in individuals affected with NFAT5-related conditions. An algorithm developed to predict the effect of missense changes on protein structure and function (PolyPhen-2) suggests that this variant is likely to be tolerated. In summary, the available evidence is currently insufficient to determine the role of this variant in disease. Therefore, it has been classified as a Variant of Uncertain Significance.

NM_138713.4(NFAT5):c.3773C>T (p.Ala1258Val)

Gene: NFAT5 (nuclear factor of activated T cells 5; plus strand). Cytogenetic location: 16q22.1.
Variant type: single nucleotide variant.
Coding change: c.3773C>T on transcript NM_138713.4 (MANE Select); coding-DNA position 3773, C replaced by T.
Protein change: p.Ala1258Val; replaces alanine 1258 with valine.
Molecular consequence: missense variant.
Genome position (GRCh38, 1-based): chr16:69,693,598, C>T. VCF-style: chr16-69693598-C-T. GRCh37 (hg19) VCF-style: chr16-69727501-C-T.
Other names: c.3770C>T, p.Ala1257Val (NM_001113178.3); c.3098C>T, p.Ala1033Val (NM_001367709.1); c.3719C>T, p.Ala1240Val (NM_006599.4); c.3491C>T, p.Ala1164Val (NM_138714.4, NM_173214.3, NM_173215.3); short protein forms A1258V, A1240V, A1033V, A1164V, A1257V.
Identifiers: ClinVar variation 2807245 (VCV002807245.3), dbSNP rs1367065740, ClinGen allele CA396513754.